The following is an entry in ClinVar:

NM_001291867.2(NHS):c.2617C>T (p.Pro873Ser)

Gene: NHS (NHS actin remodeling regulator; plus strand). Cytogenetic location: Xp22.13.
Variant type: single nucleotide variant.
Coding change: c.2617C>T on transcript NM_001291867.2 (MANE Select); coding-DNA position 2617, C replaced by T.
Protein change: p.Pro873Ser; replaces proline 873 with serine.
Molecular consequence: missense variant.
Genome position (GRCh38, 1-based): chrX:17,726,723, C>T. VCF-style: chrX-17726723-C-T. GRCh37 (hg19) VCF-style: chrX-17744843-C-T.
Other names: c.2086C>T, p.Pro696Ser (NM_001136024.4); c.2023C>T, p.Pro675Ser (NM_001291868.2); c.2554C>T, p.Pro852Ser (NM_198270.4); short protein forms P852S, P696S, P675S, P873S.
Identifiers: ClinVar variation 451070 (VCV000451070.3), dbSNP rs1287223456, ClinGen allele CA412359632.
Genomic context (GRCh38, chrX:17,726,723, plus strand): 5'-AAACGTAGCTCATCATTGAGGAAGTCTGATGGAAACGCAGATATTTCTGAGAAGAAAGAA[C>T]CAAAGATAAGCAGTGGTCAGCACCTGCCTCACAGTTCCAGGGAAATGAAGCTGCCTCTTG-3'
Protein context (NP_001278796.1, residues 863-883): GNADISEKKE[Pro873Ser]KISSGQHLPH

ClinVar aggregate classification (germline): Uncertain significance (1 of 4 stars; one submission).

gnomAD v4.1: 2 of 1,211,908 alleles (0.00017%); highest among the groups gnomAD compares: Non-Finnish European, 0.00022%; no homozygotes.

Submission:

GeneDx
Classification: Uncertain significance. Last evaluated: 2019-09-16. Review status: criteria provided, single submitter. Criteria: GeneDx Variant Classification Process June 2021. Collection method: clinical testing. Allele origin: germline. Affected: yes.
Comment: Not observed at a significant frequency in large population cohorts (Lek et al., 2016); In silico analysis, which includes protein predictors and evolutionary conservation, supports that this variant does not alter protein structure/function; Has not been previously published as pathogenic or benign to our knowledge